The following is an entry in ClinVar:

NM_015272.5(RPGRIP1L):c.1381G>T (p.Glu461Ter)

Gene: RPGRIP1L (RPGRIP1 like; minus strand). Cytogenetic location: 16q12.2.
Variant type: single nucleotide variant.
Coding change: c.1381G>T on transcript NM_015272.5 (MANE Select); coding-DNA position 1381, G replaced by T.
Protein change: p.Glu461Ter; replaces glutamic acid 461 with a stop codon.
Molecular consequence: nonsense.
Genome position (GRCh38, 1-based): chr16:53,658,434, C>A on the plus strand (G>T on the coding strand, the complement: RPGRIP1L is on the minus strand). VCF-style: chr16-53658434-C-A. GRCh37 (hg19) VCF-style: chr16-53692346-C-A.
Other names: c.1381G>T, p.Glu461Ter (NM_001127897.4, NM_001308334.3, NM_001330538.2); short protein forms E461*.
Identifiers: ClinVar variation 4815828 (VCV004815828.1).
Genomic context (GRCh38, chr16:53,658,434, plus strand): 5'-TATGCAGACATGAAAATCACGATGAAGTTCAGAACCTTACCTTTATAAGTAGGAGAGCTT[C>A]ACTCAATTCATCAGCATTAATATCATTCTCCTGCAATAGATTAAGTAAAAGCTCACAATG-3'

ClinVar aggregate classification (germline): Likely pathogenic (1 of 4 stars; one submission).

Conditions:
Joubert syndrome. Also called: Familial aplasia of the vermis; JOUBERT-BOLTSHAUSER SYNDROME; CEREBELLOPARENCHYMAL DISORDER IV. Identifiers: Orphanet 475, MedGen C5979921, MONDO:0018772.

Submission:

Natera, Inc.
Classification: Likely pathogenic for Joubert syndrome. Last evaluated: 2026-01-20. Review status: criteria provided, single submitter. Criteria: Natera Variant Classification Schema (03/2026). Collection method: clinical testing. Allele origin: germline.
Comment: The c.1381G>T variant in RPGRIP1L is a nonsense variant predicted to introduce a stop codon at amino acid 461. This variant is expected to result in nonsense mediated decay, truncation, or a dysfunctional protein product. This variant is rare in the general population with a frequency below the threshold expected for the associated phenotype(s). Given the available evidence, this variant is classified as Likely Pathogenic.